The following is an entry in ClinVar:

ClinVar aggregate classification (germline): Uncertain significance (1 of 4 stars; one submission).

Conditions:
FOXC1-related disorder. Also called: FOXC1-related condition.

Submission:

PreventionGenetics, part of Exact Sciences
Classification: Uncertain significance for FOXC1-related condition. Last evaluated: 2026-03-26. Review status: criteria provided, single submitter. Criteria: ACMG Guidelines, 2015. Collection method: clinical testing. Allele origin: germline.
Comment: The FOXC1 c.596G>A variant is predicted to result in the amino acid substitution p.Arg199His. To our knowledge, this variant has not been reported in the literature. This variant is reported in 0.0022% of alleles in individuals of European (Non-Finnish) descent in gnomAD. At this time, the clinical significance of this variant is uncertain due to the absence of conclusive functional and genetic evidence.

NM_001453.3(FOXC1):c.596G>A (p.Arg199His)

Gene: FOXC1 (forkhead box C1; plus strand). Cytogenetic location: 6p25.3.
Variant type: single nucleotide variant.
Coding change: c.596G>A on transcript NM_001453.3 (MANE Select); coding-DNA position 596, G replaced by A.
Protein change: p.Arg199His; replaces arginine 199 with histidine.
Molecular consequence: missense variant.
Genome position (GRCh38, 1-based): chr6:1,611,041, G>A. VCF-style: chr6-1611041-G-A. GRCh37 (hg19) VCF-style: chr6-1611276-G-A.
Other names: short protein forms R199H.
Identifiers: ClinVar variation 4984324 (VCV004984324.1).